The following is an entry in ClinVar:

ClinVar aggregate classification (germline): Pathogenic. Review status: criteria provided, multiple submitters, no conflicts (2 of 4 stars). 3 submissions from 3 submitters: Pathogenic (2). 1 of the submissions does not count toward it. Last evaluated 2025-10-06.

Conditions:
Glycine encephalopathy 1 (GCE1). Identifiers: MedGen CN376801, MONDO:0958179, OMIM 605899.
Glycine encephalopathy. Also called: Nonketotic hyperglycinemia; Non-ketotic hyperglycinemia. Identifiers: Orphanet 407, MedGen C0751748, MONDO:0011612, HP:0008288.

Submissions (3):

Natera, Inc.
Classification: Pathogenic for Non-ketotic hyperglycinemia. Last evaluated: 2025-10-06. Review status: criteria provided, single submitter. Criteria: Natera Variant Classification Schema (03/2026). Collection method: clinical testing. Allele origin: germline.
Comment: The c.1868_1869dupAT variant in GLDC is a frameshift variant predicted to shift the reading frame beginning at codon 624 and leads to a stop codon 11 codons downstream. This variant is expected to result in nonsense mediated decay, truncation, or a dysfunctional protein product. This variant is rare in the general population with a frequency below the threshold expected for the associated phenotype(s). This variant has been observed in one or more individuals affected with the associated recessive disease, as either homozygous or compound heterozygous with a second variant (PMID: 26179960). Given the available evidence, this variant is classified as Pathogenic.

Labcorp Genetics (formerly Invitae), Labcorp
Classification: Pathogenic for Glycine encephalopathy. Last evaluated: 2024-12-12. Review status: criteria provided, single submitter. Criteria: Invitae Variant Classification Sherloc (09022015). Collection method: clinical testing. Allele origin: germline.
Comment: This sequence change creates a premature translational stop signal (p.Ala624Metfs*11) in the GLDC gene. It is expected to result in an absent or disrupted protein product. Loss-of-function variants in GLDC are known to be pathogenic (PMID: 16601880). This variant is present in population databases (rs772068893, gnomAD 0.002%). This premature translational stop signal has been observed in individual(s) with nonketotic hyperglycinemia (PMID: 26179960). For these reasons, this variant has been classified as Pathogenic.

Counsyl
Classification: Likely pathogenic for Glycine encephalopathy 1. Last evaluated: 2018-04-26. Review status: no assertion criteria provided. Collection method: clinical testing. Allele origin: unknown. Not counted in ClinVar's aggregate classification.

Literature cited by the submitters: PubMed 26179960 (cited by 3 submitters); PubMed 16601880 (cited by Labcorp Genetics (formerly Invitae), Labcorp).

NM_000170.3(GLDC):c.1868_1869dup (p.Ala624fs)

Gene: GLDC (glycine decarboxylase; minus strand). Cytogenetic location: 9p24.1.
Variant type: Microsatellite.
Coding change: c.1868_1869dup on transcript NM_000170.3 (MANE Select); coding-DNA positions 1868 to 1869, 2 bases duplicated (AT; older notation c.1868_1869dupAT).
Protein change: p.Ala624fs; shifts the reading frame from alanine 624.
Molecular consequence: frameshift variant.
Genome position (GRCh38, 1-based): chr9:6,565,411-6,565,412, AT duplicated on the plus strand (AT on the coding strand, the reverse complement: GLDC is on the minus strand); duplicating any 2 consecutive bases within chr9:6,565,411-6,565,414 gives the same sequence; the c. name uses the placement nearest the transcript's 3' end. VCF-style (leftmost placement, unchanged base first): chr9-6565410-C-CAT. GRCh37 (hg19) VCF-style: chr9-6565410-C-CAT.
Other names: short protein forms A624fs.
Identifiers: ClinVar variation 558067 (VCV000558067.14), dbSNP rs772068893, ClinGen allele CA4980498.